The following is an entry in ClinVar:

ClinVar aggregate classification (germline): Likely benign. Review status: criteria provided, multiple submitters, no conflicts (2 of 4 stars). 2 submissions from 2 submitters: Likely benign (2). Last evaluated 2024-12-28.

Conditions:
Charcot-Marie-Tooth disease axonal type 2O. Also called: CHARCOT-MARIE-TOOTH NEUROPATHY, AXONAL, TYPE 2O; CHARCOT-MARIE-TOOTH DISEASE, AXONAL, AUTOSOMAL DOMINANT, TYPE 2O; Charcot-Marie-Tooth Neuropathy Type 2O; Charcot-Marie-Tooth disease, axonal, type 20. Identifiers: Orphanet 284232, MedGen C3280220, MONDO:0013644, OMIM 614228.

Allele frequency attached by ClinVar (database versions not stated): gnomAD exomes below 0.00001 and 0.00001; ExAC 0.00001; TOPMed 0.00001.
gnomAD v4.1: 9 of 1,614,210 alleles (0.00056%); highest among the groups gnomAD compares: South Asian, 0.0044%; no homozygotes.

Submissions (2):

Labcorp Genetics (formerly Invitae), Labcorp
Classification: Likely benign for Charcot-Marie-Tooth disease axonal type 2O. Last evaluated: 2024-12-28. Review status: criteria provided, single submitter. Criteria: Invitae Variant Classification Sherloc (09022015). Collection method: clinical testing. Allele origin: germline.

GeneDx
Classification: Likely benign. Last evaluated: 2016-05-13. Review status: criteria provided, single submitter. Criteria: GeneDx Variant Classification (06012015). Collection method: clinical testing. Allele origin: germline. Affected: yes.
Comment: This variant is considered likely benign or benign based on one or more of the following criteria: it is a conservative change, it occurs at a poorly conserved position in the protein, it is predicted to be benign by multiple in silico algorithms, and/or has population frequency not consistent with disease.

NM_001376.5(DYNC1H1):c.5110T>C (p.Leu1704=)

Gene: DYNC1H1 (dynein cytoplasmic 1 heavy chain 1; plus strand). Cytogenetic location: 14q32.31.
Variant type: single nucleotide variant.
Coding change: c.5110T>C on transcript NM_001376.5 (MANE Select); coding-DNA position 5110, T replaced by C.
Protein change: p.Leu1704=; no amino-acid change (leucine 1704 retained).
Molecular consequence: synonymous variant.
Genome position (GRCh38, 1-based): chr14:102,004,822, T>C. VCF-style: chr14-102004822-T-C. GRCh37 (hg19) VCF-style: chr14-102471159-T-C.
Identifiers: ClinVar variation 386116 (VCV000386116.8), dbSNP rs762507155, ClinGen allele CA7352354.
Genomic context (GRCh38, chr14:102,004,822, plus strand): 5'-GTTATGTTTAAAACTCCTGTGTCAATTACTGAACATCCCAAAATCAATGAGTGGCTCACA[T>C]TGGTAGAAAAGGAGATGAGAGTCACCCTGGCCAAACTGCTTGCTGAGTCTGTTACGGAAG-3'
Protein context (NP_001367.2, residues 1694-1714): EHPKINEWLT[Leu1704=]VEKEMRVTLA